The following is an entry in ClinVar:

ClinVar aggregate classification (germline): Uncertain significance (1 of 4 stars; one submission).

Allele frequency attached by ClinVar (database versions not stated): gnomAD exomes below 0.00001; TOPMed below 0.00001; gnomAD 0.00001; ExAC 0.00002.
gnomAD v4.1: 5 of 1,609,092 alleles (0.00031%); highest among the groups gnomAD compares: East Asian, 0.0045%; no homozygotes.

Submission:

Labcorp Genetics (formerly Invitae), Labcorp
Classification: Uncertain significance. Last evaluated: 2024-09-23. Review status: criteria provided, single submitter. Criteria: Invitae Variant Classification Sherloc (09022015). Collection method: clinical testing. Allele origin: germline.
Comment: This sequence change replaces serine, which is neutral and polar, with leucine, which is neutral and non-polar, at codon 1959 of the CACNA1D protein (p.Ser1959Leu). The frequency data for this variant in the population databases is considered unreliable, as metrics indicate poor data quality at this position in the gnomAD database. This missense change has been observed in individual(s) with a congenital heart defect (PMID: 32410215). An algorithm developed to predict the effect of missense changes on protein structure and function outputs the following: PolyPhen-2: "Benign". The leucine amino acid residue is found in multiple mammalian species, which suggests that this missense change does not adversely affect protein function. In summary, the available evidence is currently insufficient to determine the role of this variant in disease. Therefore, it has been classified as a Variant of Uncertain Significance.

Literature cited by the submitters: PubMed 32410215.

NM_001128840.3(CACNA1D):c.5816C>T (p.Ser1939Leu)

Gene: CACNA1D (calcium voltage-gated channel subunit alpha1 D; plus strand). Cytogenetic location: 3p21.1.
Variant type: single nucleotide variant.
Coding change: c.5816C>T on transcript NM_001128840.3 (MANE Select); coding-DNA position 5816, C replaced by T.
Protein change: p.Ser1939Leu; replaces serine 1939 with leucine.
Molecular consequence: missense variant.
Genome position (GRCh38, 1-based): chr3:53,808,715, C>T. VCF-style: chr3-53808715-C-T. GRCh37 (hg19) VCF-style: chr3-53842742-C-T.
Other names: c.5876C>T, p.Ser1959Leu (NM_000720.4); c.5744C>T, p.Ser1915Leu (NM_001128839.3); short protein forms S1915L, S1959L, S1939L.
Identifiers: ClinVar variation 2877425 (VCV002877425.3), dbSNP rs759752832, ClinGen allele CA2455279.